The following is an entry in ClinVar:

ClinVar aggregate classification (germline): Likely pathogenic. Review status: criteria provided, multiple submitters, no conflicts (2 of 4 stars). 5 submissions from 5 submitters: Likely pathogenic (5). Last evaluated 2026-02-16.

Conditions:
Autosomal recessive limb-girdle muscular dystrophy type 2J (LGMDR10). Also called: Limb-girdle muscular dystrophy, type 2J; MUSCULAR DYSTROPHY, LIMB-GIRDLE, AUTOSOMAL RECESSIVE 10. Identifiers: Orphanet 140922, MedGen C1837342, MONDO:0012127, OMIM 608807.
Dilated cardiomyopathy 1G (CMD1G). Identifiers: Orphanet 154, MedGen C1858763, MONDO:0011400, OMIM 604145.
Cardiovascular phenotype. Identifiers: MedGen CN230736.
Primary familial dilated cardiomyopathy (FDC). Also called: Familial dilated cardiomyopathy; Hypokinetic dilated cardiomyopathy, familial. Identifiers: Orphanet 217607, MedGen C0340427, MONDO:0016333.
Primary dilated cardiomyopathy (DCM). Also called: Dilated Cardiomyopathy. Identifiers: Orphanet 217604, MedGen C0007193, MeSH D002311, MONDO:0005021, HP:0001644. Inheritance: Various modes of inheritance.

Allele frequency attached by ClinVar (database versions not stated): gnomAD exomes below 0.00001; TOPMed below 0.00001; ExAC 0.00001.
gnomAD v4.1: 3 of 1,612,898 alleles (0.00019%); highest among the groups gnomAD compares: South Asian, 0.0011%; no homozygotes.

Submissions (5):

Women's Health and Genetics/Laboratory Corporation of America, LabCorp
Classification: Likely pathogenic for Primary familial dilated cardiomyopathy. Last evaluated: 2026-02-16. Review status: criteria provided, single submitter. Criteria: LabCorp Variant Classification Summary - May 2015. Collection method: clinical testing. Allele origin: germline.
Comment: Variant summary: TTN c.48268C>T (p.Arg16090X), also known as NM_001267550: c.55972C>T (p.Arg18658X) results in a premature termination codon, predicted to cause a truncation of the encoded protein or absence of the protein due to nonsense mediated decay, which are commonly known mechanisms for disease. Loss of function variants in all TTN bands are strongly associated with a spectrum of autosomal recessive titinopathies when exon expression (proportion spliced in, PSI, 1=complete expression) in skeletal muscle is >0.1 (PMID: 36977548, 39198997, 29598826, 32778822, 29691892, 33449170, 36977548, internal data). In contrast, loss of function variants in all TTN bands are only strongly associated with autosomal dominant TTN-related cardiomyopathies if located in exons constitutively expressed (PSI >0.9) in cardiac muscle, excluding extreme C-terminal exons 359-363 (PMID: 25589632, 31216868, 32964742, 34662387, 27869827, Shetty et al., Nat Cardiovasc Res 2024,, internal data). This variant has a maximum skeletal muscle PSI of 0.963 and a maximum cardiac muscle PSI of 1.000. The variant allele was found at a frequency of 4e-06 in 248290 control chromosomes. c.48268C>T has been observed in the presumed compound heterozygous state in 2 twin individual(s) affected with clinical features of prenatally observed arthrogryposis multiplex congenita as well as in at least 1 zygosity unknown individual from a cohort with Dilated Cardiomyopathy (example, Laquerriere_2022, Mora-Ayestaran_2025). These report(s) do not provide unequivocal conclusions about association of the variant with TTN-related conditions. To our knowledge, no experimental evidence demonstrating an impact on protein function has been reported. The following publications have been ascertained in the context of this evaluation (PMID: 33820833, 36977548, 40878535, 27149842, 33024263, 35544052). ClinVar contains an entry for this variant (Variation ID: 466641). Based on the evidence outlined above, the variant was classified as likely pathogenic for both autosomal dominant and autosomal recessive TTN-related conditions.

Labcorp Genetics (formerly Invitae), Labcorp
Classification: Likely pathogenic for Dilated cardiomyopathy 1G; Autosomal recessive limb-girdle muscular dystrophy type 2J. Last evaluated: 2025-09-23. Review status: criteria provided, single submitter. Criteria: Invitae Variant Classification Sherloc (09022015). Collection method: clinical testing. Allele origin: germline.
Comment: This sequence change creates a premature translational stop signal (p.Arg18658*) in the TTN gene. While this is not anticipated to result in nonsense mediated decay, it is expected to create a truncated TTN protein. This variant is present in population databases (rs764985774, gnomAD 0.003%). This premature translational stop signal has been observed in individual(s) with arthrogryposis and/or dilated cardiomyopathy (PMID: 33820833; internal data). ClinVar contains an entry for this variant (Variation ID: 466641). This variant is located in the A band of TTN (PMID: 25589632). Truncating variants in this region are significantly overrepresented in patients affected with dilated cardiomyopathy (PMID: 25589632). Truncating variants in this region have also been reported in individuals affected with autosomal recessive centronuclear myopathy (PMID: 23975875). In summary, the currently available evidence indicates that the variant is pathogenic, but additional data are needed to prove that conclusively. Therefore, this variant has been classified as Likely Pathogenic.

Variantyx, Inc.
Classification: Likely pathogenic for Dilated cardiomyopathy 1G. Last evaluated: 2025-06-23. Review status: criteria provided, single submitter. Criteria: Variantyx Assertion Criteria 2022. Collection method: clinical testing. Allele origin: germline. Inheritance: Autosomal dominant inheritance. Affected: yes.
Comment: This is a nonsense variant in the TTN gene (OMIM: 188840). Pathogenic variants in this gene have been associated with autosomal dominant dilated cardiomyopathy 1G. This variant introduces a premature termination codon in the A-band (exon 288 out of 363) and is expected to result in loss of function, which is a known disease mechanism for TTN in this disorder (PMID: 27869827, 33226272) (PVS1). Truncating variants in the A-band region of this gene are significantly overrepresented in individuals affected with dilated cardiomyopathy (PMID: 25589632). This variant has a 0.0012% maximum allele frequency in non-founder control populations (PM2). Based on the current evidence, this variant is classified as likely pathogenic for autosomal dominant dilated cardiomyopathy 1G.

Ambry Genetics
Classification: Likely pathogenic for Cardiovascular phenotype. Last evaluated: 2025-06-16. Review status: criteria provided, single submitter. Criteria: Ambry Variant Classification Scheme 2023. Collection method: clinical testing. Allele origin: germline.
Comment: The p.R9593* variant (also known as c.28777C>T), located in coding exon 115 of the TTN gene, results from a C to T substitution at nucleotide position 28777. This changes the amino acid from an arginine to a stop codon within coding exon 115. This exon is located in the A-band region of the N2-B isoform of the titin protein and is constitutively expressed in TTN transcripts (percent spliced in or PSI 100%). This variant was reported in individual(s) with features consistent with dilated cardiomyopathy (Ambry internal data). This variant is considered to be rare based on population cohorts in the Genome Aggregation Database (gnomAD). This variant is expected to result in loss of function by premature protein truncation or nonsense-mediated mRNA decay. While truncating variants in TTN are present in 1-3% of the general population, truncating variants in the A-band are the most common cause of dilated cardiomyopathy (Herman DS et al. N. Engl. J. Med., 2012 Feb;366:619-28; Roberts AM et al. Sci Transl Med, 2015 Jan;7:270ra6). TTN truncating variants encoded in constitutive exons (PSI >90%) have been found to be significantly associated with DCM regardless of their position in titin (Schafer S et al. Nat. Genet., 2017 01;49:46-53; Akhtar MM et al. Circ Heart Fail, 2020 Oct;13:e006832; Massier M et al. Clin Genet, 2025 Jan). Based on the majority of available evidence to date, this variant is likely to be pathogenic.

Laboratory for Molecular Medicine, Mass General Brigham Personalized Medicine
Classification: Likely pathogenic for Primary dilated cardiomyopathy. Last evaluated: 2019-02-22. Review status: criteria provided, single submitter. Criteria: ACMG Guidelines, 2015. Collection method: clinical testing. Allele origin: germline.
Comment: The p.Arg16090X variant in TTN has not been previously reported in individuals with TTN-associated diseases, such as dilated cardiomyopathy and neuromuscular conditions but has been identified in 1/30584 of South Asian chromosomes by gnomAD. It has been reported in ClinVar (Variation ID #466641). This nonsense variant leads to a premature termination codon at position 16090, which is predicted to lead to a truncated or absent protein. Nonsense and other truncating variants in TTN are strongly associated with DCM if they impact the exons encoding for the A-band (Herman 2012, Pugh 2014) and/or are located in an exon that is highly expressed in the heart (Roberts 2015). In addition, TTN variants have also been associated with myopathies and other neuromuscular conditions, which usually have autosomal recessive inheritance (Savarese 2016). The p.Arg16090X variant is located in the A-band. In summary, although additional studies are required to fully establish its clinical significance, this variant meets criteria to be classified as likely pathogenic for TTN-associated diseases. ACMG/AMP Criteria applied: PVS1, PM2.

Literature cited by the submitters: PubMed 27149842 (cited by Women's Health and Genetics/Laboratory Corporation of America, LabCorp); PubMed 35544052 (cited by Women's Health and Genetics/Laboratory Corporation of America, LabCorp); PubMed 33820833 (cited by 3 submitters); PubMed 36977548 (cited by Women's Health and Genetics/Laboratory Corporation of America, LabCorp); PubMed 33024263 (cited by Women's Health and Genetics/Laboratory Corporation of America, LabCorp); PubMed 40878535 (cited by Women's Health and Genetics/Laboratory Corporation of America, LabCorp); PubMed 25589632 (cited by Labcorp Genetics (formerly Invitae), Labcorp); PubMed 23975875 (cited by Labcorp Genetics (formerly Invitae), Labcorp); PubMed 27869827 (cited by Variantyx, Inc.); PubMed 33226272 (cited by Variantyx, Inc.).

NM_001267550.2(TTN):c.55972C>T (p.Arg18658Ter)

Genes: TTN (titin; minus strand), TTN-AS1 (TTN antisense RNA 1; plus strand). Cytogenetic location: 2q31.2.
Variant type: single nucleotide variant.
Coding change: c.55972C>T on transcript NM_001267550.2 (MANE Select); coding-DNA position 55972, C replaced by T.
Protein change: p.Arg18658Ter; replaces arginine 18658 with a stop codon.
Molecular consequence: nonsense.
Genome position (GRCh38, 1-based): chr2:178,600,932, G>A on the plus strand (C>T on the coding strand, the complement: TTN is on the minus strand). VCF-style: chr2-178600932-G-A. GRCh37 (hg19) VCF-style: chr2-179465659-G-A.
Other names: c.51049C>T, p.Arg17017Ter (NM_001256850.1); c.28777C>T, p.Arg9593Ter (NM_003319.4); c.48268C>T, p.Arg16090Ter (NM_133378.4); c.29152C>T, p.Arg9718Ter (NM_133432.3); c.29353C>T, p.Arg9785Ter (NM_133437.4); short protein forms R18658*, R9718*, R17017*, R16090*, R9593*, R9785*.
Identifiers: ClinVar variation 466641 (VCV000466641.15), dbSNP rs764985774, ClinGen allele CA1993353.